The following is an entry in ClinVar:

ClinVar aggregate classification (germline): Uncertain significance. Review status: criteria provided, single submitter (1 of 4 stars). 2 submissions from 2 submitters: Uncertain significance (1). 1 of the submissions does not count toward it. Last evaluated 2022-02-28.

Conditions:
POMC-related disorder. Also called: POMC-related condition; POMC-related disorders.

Allele frequency attached by ClinVar (database versions not stated): gnomAD exomes 0.00004; gnomAD 0.00006; TOPMed 0.00006; ExAC 0.00016.
gnomAD v4.1: 69 of 1,590,818 alleles (0.0043%); highest among the groups gnomAD compares: Non-Finnish European, 0.0042%; no homozygotes.

Submissions (2):

Labcorp Genetics (formerly Invitae), Labcorp
Classification: Uncertain significance. Last evaluated: 2022-02-28. Review status: criteria provided, single submitter. Criteria: Invitae Variant Classification Sherloc (09022015). Collection method: clinical testing. Allele origin: germline.
Comment: In summary, the available evidence is currently insufficient to determine the role of this variant in disease. Therefore, it has been classified as a Variant of Uncertain Significance. Algorithms developed to predict the effect of missense changes on protein structure and function output the following: SIFT: "Not Available"; PolyPhen-2: "Benign"; Align-GVGD: "Not Available". The leucine amino acid residue is found in multiple mammalian species, which suggests that this missense change does not adversely affect protein function. This missense change has been observed in individual(s) with clinical features of POMC-related conditions (PMID: 29970488). This variant is present in population databases (rs752644128, gnomAD 0.04%), including at least one homozygous and/or hemizygous individual. This sequence change replaces proline, which is neutral and non-polar, with leucine, which is neutral and non-polar, at codon 59 of the POMC protein (p.Pro59Leu).

PreventionGenetics, part of Exact Sciences
Classification: Uncertain significance for POMC-related condition. Last evaluated: 2024-02-06. Review status: no assertion criteria provided. Collection method: clinical testing. Allele origin: germline. Not counted in ClinVar's aggregate classification.
Comment: The POMC c.176C>T variant is predicted to result in the amino acid substitution p.Pro59Leu. This variant has been reported as a variant of uncertain significance in an individual with early-onset obesity (Table S1, Kleinendorst et al. 2018. PubMed ID: 29970488). This variant was also observed in a cohort of individuals with obesity, and in vitro functional studies showed this variant did not reduce protein function and could cause increased function (Supplemental Data Set 3, Shah et al. 2023. PubMed ID: 36864747). This variant is reported in 0.045% of alleles in individuals of European (Finnish) descent in gnomAD. At this time, the clinical significance of this variant is uncertain due to the absence of conclusive functional and genetic evidence.

Literature cited by the submitters: PubMed 29970488 (cited by Labcorp Genetics (formerly Invitae), Labcorp).

NM_000939.4(POMC):c.176C>T (p.Pro59Leu)

Genes: POMC (proopiomelanocortin; minus strand), LOC129933280 (ATAC-STARR-seq lymphoblastoid silent region 11244; plus strand). Cytogenetic location: 2p23.3.
Variant type: single nucleotide variant.
Coding change: c.176C>T on transcript NM_000939.4 (MANE Select); coding-DNA position 176, C replaced by T.
Protein change: p.Pro59Leu; replaces proline 59 with leucine.
Molecular consequence: missense variant.
Genome position (GRCh38, 1-based): chr2:25,161,709, G>A on the plus strand (C>T on the coding strand, the complement: POMC is on the minus strand). VCF-style: chr2-25161709-G-A. GRCh37 (hg19) VCF-style: chr2-25384578-G-A.
Other names: c.176C>T, p.Pro59Leu (NM_001035256.3, NM_001319204.2, NM_001319205.2); c.176C>T (NM_000939.3); short protein forms P59L.
Identifiers: ClinVar variation 2151925 (VCV002151925.4), dbSNP rs752644128, ClinGen allele CA1555365.